The following is an entry in ClinVar:

ClinVar aggregate classification (germline): Pathogenic (1 of 4 stars; one submission).

Conditions:
Inborn genetic diseases. Identifiers: MedGen C0950123, MeSH D030342.

Submission:

Ambry Genetics
Classification: Pathogenic for Inborn genetic diseases. Last evaluated: 2017-01-27. Review status: criteria provided, single submitter. Criteria: Ambry Variant Classification Scheme 2023. Collection method: clinical testing. Allele origin: germline.
Comment: The c.2023_2029dupAAGAAAG pathogenic mutation, located in coding exon 12 of the SCN8A gene, results from a duplication of AAGAAAG at nucleotide positions 2023 to 2029, causing a translational frameshift with a predicted alternate stop codon (p.G677Efs*51). This alteration is expected to result in loss of function by premature protein truncation or nonsense-mediated mRNA decay. As such, this alteration is interpreted as a disease-causing mutation.

NM_001330260.2(SCN8A):c.2023_2029dup (p.Gly677fs)

Gene: SCN8A (sodium voltage-gated channel alpha subunit 8; plus strand). Cytogenetic location: 12q13.13.
Variant type: Duplication.
Coding change: c.2023_2029dup on transcript NM_001330260.2 (MANE Select); coding-DNA positions 2023 to 2029, 7 bases duplicated (AAGAAAG; older notation c.2023_2029dupAAGAAAG).
Protein change: p.Gly677fs; shifts the reading frame from glycine 677.
Molecular consequence: frameshift variant.
Genome position (GRCh38, 1-based): chr12:51,745,927-51,745,933, AAGAAAG duplicated; duplicating any 7 consecutive bases within chr12:51,745,924-51,745,933 gives the same sequence; the c. name uses the placement nearest the transcript's 3' end. VCF-style (leftmost placement, unchanged base first): chr12-51745923-T-TAAGAAGA. GRCh37 (hg19) VCF-style: chr12-52139707-T-TAAGAAGA.
Other names: c.2023_2029dup, p.Gly677fs (NM_001177984.3, NM_001369788.1, NM_014191.4); short protein forms G677fs.
Identifiers: ClinVar variation 589500 (VCV000589500.5), dbSNP rs1565908565, ClinGen allele CA891843494.